The following is an entry in ClinVar:

NM_000540.3(RYR1):c.3094C>G (p.Arg1032Gly)

Gene: RYR1 (ryanodine receptor 1; plus strand). Cytogenetic location: 19q13.2.
Variant type: single nucleotide variant.
Coding change: c.3094C>G on transcript NM_000540.3 (MANE Select); coding-DNA position 3094, C replaced by G.
Protein change: p.Arg1032Gly; replaces arginine 1032 with glycine.
Molecular consequence: missense variant.
Genome position (GRCh38, 1-based): chr19:38,466,314, C>G. VCF-style: chr19-38466314-C-G. GRCh37 (hg19) VCF-style: chr19-38956954-C-G.
Other names: c.3094C>G, p.Arg1032Gly (NM_001042723.2); short protein forms R1032G.
Identifiers: ClinVar variation 1032422 (VCV001032422.7), dbSNP rs374477216, ClinGen allele CA405635485.

ClinVar aggregate classification (germline): Uncertain significance. Review status: criteria provided, multiple submitters, no conflicts (2 of 4 stars). 5 submissions from 5 submitters: Uncertain significance (5). Last evaluated 2024-05-16.

Conditions:
Malignant hyperthermia, susceptibility to, 1 (MHS1). Also called: RYR1-Related Malignant Hyperthermia Susceptibility; Malignant hyperthermia suceptibility 1; Anesthesia related hyperthermia; Malignant hyperpyrexia; Fulminating hyperpyrexia; Pharmacogenic myopathy. Identifiers: Orphanet 423, MedGen C2930980, MONDO:0007783, OMIM 145600.
Central core myopathy (CMYO1A). Also called: CONGENITAL MYOPATHY 1A, AUTOSOMAL DOMINANT, WITH SUSCEPTIBILITY TO MALIGNANT HYPERTHERMIA; Central core disease; Myopathy, central fibrillar. Identifiers: Orphanet 597, MedGen C5830701, MONDO:0007294, OMIM 117000.
RYR1-related disorder. Also called: RYR1-related condition; RYR1-related disorders. Identifiers: MedGen CN239331.

Allele frequency attached by ClinVar (database versions not stated): TOPMed 0.00001.
gnomAD v4.1: 22 of 1,608,818 alleles (0.0014%); highest among the groups gnomAD compares: Non-Finnish European, 0.0016%; no homozygotes.

Submissions (5):

Labcorp Genetics (formerly Invitae), Labcorp
Classification: Uncertain significance for RYR1-related disorder. Last evaluated: 2024-05-16. Review status: criteria provided, single submitter. Criteria: Invitae Variant Classification Sherloc (09022015). Collection method: clinical testing. Allele origin: germline.
Comment: This sequence change replaces arginine, which is basic and polar, with glycine, which is neutral and non-polar, at codon 1032 of the RYR1 protein (p.Arg1032Gly). This variant is present in population databases (no rsID available, gnomAD 0.007%). This variant has not been reported in the literature in individuals affected with RYR1-related conditions. ClinVar contains an entry for this variant (Variation ID: 1032422). Advanced modeling of protein sequence and biophysical properties (such as structural, functional, and spatial information, amino acid conservation, physicochemical variation, residue mobility, and thermodynamic stability) performed at Invitae indicates that this missense variant is not expected to disrupt RYR1 protein function with a negative predictive value of 95%. In summary, the available evidence is currently insufficient to determine the role of this variant in disease. Therefore, it has been classified as a Variant of Uncertain Significance.

All of Us Research Program, National Institutes of Health
Classification: Uncertain significance for Malignant hyperthermia, susceptibility to, 1. Last evaluated: 2023-12-07. Review status: criteria provided, single submitter. Criteria: ACMG Guidelines, 2015. Collection method: clinical testing. Allele origin: germline. Inheritance: Autosomal dominant inheritance. Observed: 2 variant alleles, 2 heterozygotes.
Comment: This missense variant replaces arginine with glycine at codon 1032 of the RYR1 protein. Computational prediction is inconclusive regarding the impact of this variant on protein structure and function (internally defined REVEL score threshold 0.5 < inconclusive < 0.7, PMID: 27666373). To our knowledge, functional studies have not been reported for this variant. This variant has not been reported in individuals affected with RYR1-related disorders in the literature. This variant has not been identified in the general population by the Genome Aggregation Database (gnomAD). The available evidence is insufficient to determine the role of this variant in disease conclusively. Therefore, this variant is classified as a Variant of Uncertain Significance.

This study involves interpretation of variants in research participants for the purpose of population health screening. Participant phenotype was not available at the time of variant classification. Additional details can be found in publication PMID: 35346344, PMCID: PMC8962531

Color Diagnostics, LLC DBA Color Health
Classification: Uncertain significance for Malignant hyperthermia, susceptibility to, 1. Last evaluated: 2023-08-21. Review status: criteria provided, single submitter. Criteria: ACMG Guidelines, 2015. Collection method: clinical testing. Allele origin: germline.
Comment: This missense variant replaces arginine with glycine at codon 1032 of the RYR1 protein. Computational prediction is inconclusive regarding the impact of this variant on protein structure and function. To our knowledge, functional studies have not been reported for this variant. This variant has not been reported in individuals affected with RYR1-related disorders in the literature. This variant has not been identified in the general population by the Genome Aggregation Database (gnomAD). The available evidence is insufficient to determine the role of this variant in disease conclusively. Therefore, this variant is classified as a Variant of Uncertain Significance.

GeneDx
Classification: Uncertain significance. Last evaluated: 2021-06-28. Review status: criteria provided, single submitter. Criteria: GeneDx Variant Classification Process June 2021. Collection method: clinical testing. Allele origin: germline. Affected: yes.
Comment: Not observed at significant frequency in large population cohorts (Lek et al., 2016); In silico analysis supports that this missense variant has a deleterious effect on protein structure/function; Has not been previously published as pathogenic or benign to our knowledge; This variant is associated with the following publications: (PMID: 27535533)

Baylor Genetics
Classification: Uncertain significance for Central core myopathy. Last evaluated: 2018-06-28. Review status: criteria provided, single submitter. Criteria: ACMG Guidelines, 2015. Collection method: clinical testing. Allele origin: paternal. Affected: yes.
Comment: This variant was determined to be of uncertain significance according to ACMG Guidelines, 2015 [PMID:25741868].